The following is an entry in ClinVar:

ClinVar aggregate classification (germline): Likely benign (0 of 4 stars; one submission).

Conditions:
SPAG17-related disorder. Also called: SPAG17-related condition.

Allele frequency attached by ClinVar (database versions not stated): gnomAD exomes below 0.00001.
gnomAD v4.1: 1 of 1,605,918 alleles (0.000062%); highest among the groups gnomAD compares: South Asian, 0.0011%; no homozygotes.

Submission:

PreventionGenetics, part of Exact Sciences
Classification: Likely benign for SPAG17-related condition. Last evaluated: 2019-09-06. Review status: no assertion criteria provided. Collection method: clinical testing. Allele origin: germline.
Comment: This variant is classified as likely benign based on ACMG/AMP sequence variant interpretation guidelines (Richards et al. 2015 PMID: 25741868, with internal and published modifications).

NM_206996.4(SPAG17):c.3129G>A (p.Gly1043=)

Gene: SPAG17 (sperm associated antigen 17; minus strand). Cytogenetic location: 1p12.
Variant type: single nucleotide variant.
Coding change: c.3129G>A on transcript NM_206996.4 (MANE Select); coding-DNA position 3129, G replaced by A.
Protein change: p.Gly1043=; no amino-acid change (glycine 1043 retained).
Molecular consequence: synonymous variant.
Genome position (GRCh38, 1-based): chr1:118,040,767, C>T on the plus strand (G>A on the coding strand, the complement: SPAG17 is on the minus strand). VCF-style: chr1-118040767-C-T. GRCh37 (hg19) VCF-style: chr1-118583390-C-T.
Identifiers: ClinVar variation 3053432 (VCV003053432.2), dbSNP rs1649654155, ClinGen allele CA419992420.
Genomic context (GRCh38, chr1:118,040,767, plus strand): 5'-AACCAGTTGCTTTCAAAATGTACCTTTTTCAAACATTGTCTTTTCCACTTCAATCTGCCC[C>T]CCATCAGAAGGATACAGGTAGTAATTTGACCCTGAGATTTGAGTGGGTATATTTCCCATA-3'
Protein context (NP_996879.1, residues 1033-1053): GSNYYLYPSD[Gly1043=]GQIEVEKTMF